The following is an entry in ClinVar:

ClinVar aggregate classification (germline): Uncertain significance (1 of 4 stars; one submission).

Submission:

Ambry Genetics
Classification: Uncertain significance. Last evaluated: 2023-06-12. Review status: criteria provided, single submitter. Criteria: Ambry Variant Classification Scheme 2023. Collection method: clinical testing. Allele origin: germline.
Comment: The p.S1543I variant (also known as c.4628G>T), located in coding exon 4 of the ALPK2 gene, results from a G to T substitution at nucleotide position 4628. The serine at codon 1543 is replaced by isoleucine, an amino acid with dissimilar properties. This amino acid position is conserved. In addition, this alteration is predicted to be tolerated by in silico analysis. Since supporting evidence is limited at this time, the clinical significance of this alteration remains unclear.

NM_052947.4(ALPK2):c.4628G>T (p.Ser1543Ile)

Genes: ALPK2 (alpha kinase 2; minus strand), LOC126862764 (BRD4-independent group 4 enhancer GRCh37_chr18:56202574-56203773; plus strand). Cytogenetic location: 18q21.31.
Variant type: single nucleotide variant.
Coding change: c.4628G>T on transcript NM_052947.4 (MANE Select); coding-DNA position 4628, G replaced by T.
Protein change: p.Ser1543Ile; replaces serine 1543 with isoleucine.
Molecular consequence: missense variant.
Genome position (GRCh38, 1-based): chr18:58,535,559, C>A on the plus strand (G>T on the coding strand, the complement: ALPK2 is on the minus strand). VCF-style: chr18-58535559-C-A. GRCh37 (hg19) VCF-style: chr18-56202791-C-A.
Other names: short protein forms S1543I.
Identifiers: ClinVar variation 2564128 (VCV002564128.2), dbSNP rs1473103972, ClinGen allele CA402560839.